The following is an entry in ClinVar:

ClinVar aggregate classification (germline): Uncertain significance. Review status: criteria provided, multiple submitters, no conflicts (2 of 4 stars). 2 submissions from 2 submitters: Uncertain significance (2). Last evaluated 2025-03-20.

Conditions:
Ataxia-telangiectasia syndrome (AT). Also called: AT, COMPLEMENTATION GROUP C; Ataxia-telangiectasia, complementation group D; ATAXIA-TELANGIECTASIA, COMPLEMENTATION GROUP A; ATAXIA-TELANGIECTASIA, FRESNO VARIANT; Ataxia-telangiectasia; Ataxia-telangiectasia, complementation group E. Identifiers: Orphanet 100, MedGen C0004135, MONDO:0008840, OMIM 208900.
Familial cancer of breast. Also called: hereditary breast carcinoma; BREAST CANCER, FAMILIAL; Hereditary breast cancer. Identifiers: Orphanet 227535, MedGen C0346153, MONDO:0016419, OMIM 114480. Disease mechanism: loss of function.

Submissions (2):

Labcorp Genetics (formerly Invitae), Labcorp
Classification: Uncertain significance for Ataxia-telangiectasia syndrome. Last evaluated: 2025-03-20. Review status: criteria provided, single submitter. Criteria: Invitae Variant Classification Sherloc (09022015). Collection method: clinical testing. Allele origin: germline.
Comment: This variant, c.8658_8660del, results in the deletion of 1 amino acid(s) of the ATM protein (p.His2887del), but otherwise preserves the integrity of the reading frame. This variant is not present in population databases (gnomAD no frequency). This variant has not been reported in the literature in individuals affected with ATM-related conditions. ClinVar contains an entry for this variant (Variation ID: 3240804). This variant disrupts a region of the ATM protein in which other variant(s) (p.His2887Asp) have been observed in individuals with ATM-related conditions (PMID: 23322442). This suggests that this is a clinically significant region of the protein, and that variants that disrupt it are likely to be disease-causing. In summary, the available evidence is currently insufficient to determine the role of this variant in disease. Therefore, it has been classified as a Variant of Uncertain Significance.

Baylor Genetics
Classification: Uncertain significance for Familial cancer of breast. Last evaluated: 2023-11-03. Review status: criteria provided, single submitter. Criteria: ACMG Guidelines, 2015. Collection method: clinical testing. Allele origin: unknown.

Literature cited by the submitters: PubMed 23322442 (cited by Labcorp Genetics (formerly Invitae), Labcorp).

NM_000051.4(ATM):c.8658_8660del (p.His2887del)

Genes: ATM (ATM serine/threonine kinase; plus strand), C11orf65 (chromosome 11 open reading frame 65; minus strand). Cytogenetic location: 11q22.3.
Variant type: Deletion.
Coding change: c.8658_8660del on transcript NM_000051.4 (MANE Select); coding-DNA positions 8658 to 8660, 3 bases deleted (ACA; older notation c.8658_8660delACA).
Protein change: p.His2887del; deletes histidine 2887.
Molecular consequence: inframe deletion. On other transcripts: intron variant (2).
Genome position (GRCh38, 1-based): chr11:108,347,352-108,347,354, ACA deleted. VCF-style (leftmost placement, unchanged base first): chr11-108347351-TACA-T. GRCh37 (hg19) VCF-style: chr11-108218078-TACA-T.
Other names: c.8658_8660del, p.His2887del (NM_001351834.2); c.641-38283_641-38281del (NM_001330368.2); c.695-12062_695-12060del (NM_001351110.2); short protein forms H2887del.
Identifiers: ClinVar variation 3240804 (VCV003240804.1), dbSNP rs2547462453.